The following is an entry in ClinVar:

ClinVar aggregate classification (germline): Uncertain significance (1 of 4 stars; one submission).

Conditions:
Congenital myasthenic syndrome 8. Also called: Myasthenic syndrome, congenital, 8, with pre- and postsynaptic defects; MYASTHENIC SYNDROME, CONGENITAL, DUE TO AGRIN DEFICIENCY. Identifiers: Orphanet 590, MedGen C3808739, MONDO:0014052, OMIM 615120.

Submission:

Labcorp Genetics (formerly Invitae), Labcorp
Classification: Uncertain significance for Congenital myasthenic syndrome 8. Last evaluated: 2025-01-27. Review status: criteria provided, single submitter. Criteria: Invitae Variant Classification Sherloc (09022015). Collection method: clinical testing. Allele origin: germline.
Comment: This sequence change replaces proline, which is neutral and non-polar, with threonine, which is neutral and polar, at codon 1098 of the AGRN protein (p.Pro1098Thr). This variant is not present in population databases (gnomAD no frequency). This variant has not been reported in the literature in individuals affected with AGRN-related conditions. ClinVar contains an entry for this variant (Variation ID: 1476176). An algorithm developed to predict the effect of missense changes on protein structure and function (PolyPhen-2) suggests that this variant is likely to be disruptive. In summary, the available evidence is currently insufficient to determine the role of this variant in disease. Therefore, it has been classified as a Variant of Uncertain Significance.

NM_198576.4(AGRN):c.3292C>A (p.Pro1098Thr)

Gene: AGRN (agrin; plus strand). Cytogenetic location: 1p36.33.
Variant type: single nucleotide variant.
Coding change: c.3292C>A on transcript NM_198576.4 (MANE Select); coding-DNA position 3292, C replaced by A.
Protein change: p.Pro1098Thr; replaces proline 1098 with threonine.
Molecular consequence: missense variant.
Genome position (GRCh38, 1-based): chr1:1,046,861, C>A. VCF-style: chr1-1046861-C-A. GRCh37 (hg19) VCF-style: chr1-982241-C-A.
Other names: c.3292C>A, p.Pro1098Thr (NM_001305275.2); c.2977C>A, p.Pro993Thr (NM_001364727.2); short protein forms P1098T, P993T.
Identifiers: ClinVar variation 1476176 (VCV001476176.6), dbSNP rs1431057237, ClinGen allele CA337848284.